The following is an entry in ClinVar:

ClinVar aggregate classification (germline): Uncertain significance. Review status: criteria provided, multiple submitters, no conflicts (2 of 4 stars). 2 submissions from 2 submitters: Uncertain significance (2). Last evaluated 2025-07-09.

Conditions:
NFAT5-related disorder. Also called: NFAT5-related condition.
Immunodeficiency. Identifiers: MedGen C0021051, MONDO:0021094, HP:0002721.

Allele frequency attached by ClinVar (database versions not stated): gnomAD exomes below 0.00001; ExAC 0.00001.
gnomAD v4.1: 7 of 1,614,190 alleles (0.00043%); highest among the groups gnomAD compares: Admixed American, 0.0017%; no homozygotes.

Submissions (2):

PreventionGenetics, part of Exact Sciences
Classification: Uncertain significance for NFAT5-related condition. Last evaluated: 2025-07-09. Review status: criteria provided, single submitter. Criteria: ACMG Guidelines, 2015. Collection method: clinical testing. Allele origin: germline.
Comment: The NFAT5 c.3788C>T variant is predicted to result in the amino acid substitution p.Pro1263Leu. To our knowledge, this variant has not been reported in the literature. This variant is reported in 0.00077% of alleles in individuals of European (Non-Finnish) descent in gnomAD. At this time, the clinical significance of this variant is uncertain due to the absence of conclusive functional and genetic evidence.

Labcorp Genetics (formerly Invitae), Labcorp
Classification: Uncertain significance for Immunodeficiency. Last evaluated: 2023-04-29. Review status: criteria provided, single submitter. Criteria: Invitae Variant Classification Sherloc (09022015). Collection method: clinical testing. Allele origin: germline.
Comment: In summary, the available evidence is currently insufficient to determine the role of this variant in disease. Therefore, it has been classified as a Variant of Uncertain Significance. An algorithm developed to predict the effect of missense changes on protein structure and function (PolyPhen-2) suggests that this variant is likely to be disruptive. This variant has not been reported in the literature in individuals affected with NFAT5-related conditions. This variant is present in population databases (rs761941499, gnomAD 0.0008%). This sequence change replaces proline, which is neutral and non-polar, with leucine, which is neutral and non-polar, at codon 1263 of the NFAT5 protein (p.Pro1263Leu).

NM_138713.4(NFAT5):c.4070C>T (p.Pro1357Leu)

Gene: NFAT5 (nuclear factor of activated T cells 5; plus strand). Cytogenetic location: 16q22.1.
Variant type: single nucleotide variant.
Coding change: c.4070C>T on transcript NM_138713.4 (MANE Select); coding-DNA position 4070, C replaced by T.
Protein change: p.Pro1357Leu; replaces proline 1357 with leucine.
Molecular consequence: missense variant.
Genome position (GRCh38, 1-based): chr16:69,693,895, C>T. VCF-style: chr16-69693895-C-T. GRCh37 (hg19) VCF-style: chr16-69727798-C-T.
Other names: c.3788C>T, p.Pro1263Leu (NM_138714.4, NM_173214.3, NM_173215.3); c.4067C>T, p.Pro1356Leu (NM_001113178.3); c.3395C>T, p.Pro1132Leu (NM_001367709.1); c.4016C>T, p.Pro1339Leu (NM_006599.4); c.3788C>T (NM_138714.3); short protein forms P1132L, P1356L, P1263L, P1339L, P1357L.
Identifiers: ClinVar variation 2892604 (VCV002892604.4), dbSNP rs761941499, ClinGen allele CA8136001.